The following is an entry in ClinVar:

NM_001394062.1(MACF1):c.12739C>G (p.Gln4247Glu)

Gene: MACF1 (microtubule actin crosslinking factor 1; plus strand). Cytogenetic location: 1p34.3.
Variant type: single nucleotide variant.
Coding change: c.12739C>G on transcript NM_001394062.1 (MANE Select); coding-DNA position 12739, C replaced by G.
Protein change: p.Gln4247Glu; replaces glutamine 4247 with glutamic acid.
Molecular consequence: missense variant.
Genome position (GRCh38, 1-based): chr1:39,361,645, C>G. VCF-style: chr1-39361645-C-G. GRCh37 (hg19) VCF-style: chr1-39827317-C-G.
Other names: c.6553C>G, p.Gln2185Glu (NM_012090.5); short protein forms Q2185E, Q4247E.
Identifiers: ClinVar variation 3638569 (VCV003638569.2).

ClinVar aggregate classification (germline): Uncertain significance (1 of 4 stars; one submission).

Submission:

Labcorp Genetics (formerly Invitae), Labcorp
Classification: Uncertain significance. Last evaluated: 2024-02-03. Review status: criteria provided, single submitter. Criteria: Invitae Variant Classification Sherloc (09022015). Collection method: clinical testing. Allele origin: germline.
Comment: This sequence change replaces glutamine, which is neutral and polar, with glutamic acid, which is acidic and polar, at codon 2185 of the MACF1 protein (p.Gln2185Glu). This variant is not present in population databases (gnomAD no frequency). This variant has not been reported in the literature in individuals affected with MACF1-related conditions. An algorithm developed to predict the effect of missense changes on protein structure and function (PolyPhen-2) suggests that this variant is likely to be tolerated. In summary, the available evidence is currently insufficient to determine the role of this variant in disease. Therefore, it has been classified as a Variant of Uncertain Significance.